The following continues an entry in ClinVar:

NM_000492.4(CFTR):c.254G>A (p.Gly85Glu)

Gene: CFTR. ClinVar aggregate classification (germline): Pathogenic. Pathogenic (1).

Submissions 17 to 30 of 30:

Johns Hopkins Genomics, Johns Hopkins University
Classification: Pathogenic for Cystic fibrosis. Last evaluated: 2021-05-19. Review status: criteria provided, single submitter. Criteria: ACMG Guidelines, 2015. Collection method: clinical testing. Allele origin: germline. Not counted in ClinVar's aggregate classification.

Myriad Genetics, Inc.
Classification: Pathogenic for Cystic fibrosis. Last evaluated: 2019-11-15. Review status: criteria provided, single submitter. Criteria: Myriad Women's Health Autosomal Recessive and X-Linked Classification Criteria (2019). Collection method: clinical testing. Allele origin: unknown. Not counted in ClinVar's aggregate classification.
Comment: NM_000492.3(CFTR):c.254G>A(G85E) is classified as pathogenic in the context of cystic fibrosis and is associated with the classic form of the disease. Sources cited for classification include the following: PMID 23974870. Classification of NM_000492.3(CFTR):c.254G>A(G85E) is based on the following criteria: This is a well-established pathogenic variant in the literature that has been observed more frequently in patients with clinical diagnoses than in healthy populations. Please note: this variant was assessed in the context of healthy population screening.

ARUP Laboratories, Molecular Genetics and Genomics, ARUP Laboratories
Classification: Pathogenic. Last evaluated: 2019-08-28. Review status: criteria provided, single submitter. Criteria: ARUP Molecular Germline Variant Investigation Process. Collection method: clinical testing. Allele origin: germline. Not counted in ClinVar's aggregate classification.
Comment: The CFTR c.254G>A; p.Gly85Glu variant (rs75961395) is reported in multiple unrelated patients diagnosed with cystic fibrosis (Chalkley 1991, Chavez-Saldana 2010, Gallati 2009, Kerem 1997, Ooi 2012, Zielenski 1991, CFTR2 database). However, the clinical presentations of these patients are highly variable, ranging from severe lung disorder and pancreatic insufficiency, to mild respiratory symptoms and pancreatic sufficiency (Chalkley 1991, Kerem 1997). Functional characterization of the variant protein indicates a failure in trafficking to the cell surface (Patrick 2011, Sosnay 2013, Van Goor 2014), due to aberrant integration of the protein in the endoplasmic reticulum (Patrick 2011). The variant is described in the ClinVar database (Variation ID: 7143) and in the Genome Aggregation Database in 12 out of 276578 alleles. The glycine at residue 85 is highly conserved, and computational algorithms (Mutation Taster, PolyPhen-2, SIFT) predict that the variant has a deleterious impact on the protein. Considering available information, the variant is classified as pathogenic. References: Link to CFTR2 database: Chalkley G et al. A cystic fibrosis patient who is homozygous for the G85E mutation has very mild disease. J Med Genet. 1991 28(12):875-7. Chavez-Saldana M et al. CFTR allelic heterogeneity in Mexican patients with cystic fibrosis: implications for molecular screening. Rev Invest Clin. 2010 62(6):546-52. Gallati S et al Cystic fibrosis transmembrane conductance regulator mutations in azoospermic and oligospermic men and their partners. Reprod Biomed Online. 2009 19(5):685-94. Kerem B et al. A missense cystic fibrosis transmembrane conductance regulator mutation with variable phenotype. Pediatrics. 1997 100(3):E5. Ooi C. et al. Cystic fibrosis transmembrane conductance regulator (CFTR) gene mutations in pancreatitis. J Cyst Fibros. 2012 11(5):355-62. Patrick A et al. Alteration of CFTR transmembrane span integration by disease-causing mutations. Mol Biol Cell. 2011 22(23):4461-71. Sosnay PR et al. Defining the disease liability of variants in the cystic fibrosis transmembrane conductance regulator gene. Nat Genet. 2013 45(10):1160-7. Van Goor F et al. Effect of ivacaftor on CFTR forms with missense mutations associated with defects in protein processing or function. J Cyst Fibros. 2014 13(1):29-36. Zielenski J et al. Identification of mutations in exons 1 through 8 of the cystic fibrosis transmembrane conductance regulator (CFTR) gene. Genomics. 1991 May;10(1):229-35.

Mendelics
Classification: Pathogenic for Cystic fibrosis. Last evaluated: 2018-11-05. Review status: criteria provided, single submitter. Criteria: Mendelics Assertion Criteria 2017. Collection method: clinical testing. Allele origin: unknown. Affected: yes. Not counted in ClinVar's aggregate classification.

CFTR-France
Classification: Pathogenic for cystic fibrosis. Last evaluated: 2018-01-29. Review status: criteria provided, single submitter. Criteria: Claustres M et al. (Hum Mutat 2017). Collection method: curation. Allele origin: germline. Affected: yes. Not counted in ClinVar's aggregate classification.

Eurofins Ntd Llc (ga)
Classification: Pathogenic. Last evaluated: 2017-02-07. Review status: criteria provided, single submitter. Criteria: EGL Classification Definitions 2015. Collection method: clinical testing. Allele origin: germline. Observed: 1 variant allele, 1 heterozygote. Not counted in ClinVar's aggregate classification.

Center for Pediatric Genomic Medicine, Children's Mercy Hospital and Clinics
Classification: Pathogenic. Last evaluated: 2015-11-24. Review status: criteria provided, single submitter. Criteria: ACMG Guidelines, 2015. Collection method: clinical testing. Allele origin: de novo. Not counted in ClinVar's aggregate classification.

Baylor Genetics
Classification: Pathogenic for Congenital bilateral aplasia of vas deferens from CFTR mutation; Cystic fibrosis. Review status: criteria provided, single submitter. Criteria: ACMG Guidelines, 2015. Collection method: clinical testing. Allele origin: germline. Not counted in ClinVar's aggregate classification.

PreventionGenetics, part of Exact Sciences
Classification: Pathogenic for CFTR-related condition. Last evaluated: 2024-08-13. Review status: no assertion criteria provided. Collection method: clinical testing. Allele origin: germline. Not counted in ClinVar's aggregate classification.
Comment: The CFTR c.254G>A variant is predicted to result in the amino acid substitution p.Gly85Glu. This variant has been reported in unrelated patients with cystic fibrosis, pancreatic insufficiency, and congenital bilateral absence of vas deferens (Chalkley et al. 1991. PubMed ID: 1757965; Gallati et al. 2009. PubMed ID: 20021716; Ooi and Durie. 2012. PubMed ID: 22658665; Masson et al. 2013. PubMed ID: 23951356; Sosnay et al. 2013. PubMed ID: 23974870). Functional studies showed that the p.Gly85Glu substitution leads to defects in CFTR protein processing resulting from the aberrant integration into the endoplasmic reticulum membrane and failure in trafficking to the cell surface (Patrick et al. 2011. PubMed ID: 21998193; Van Goor et al. 2014. PubMed ID: 23891399). This variant is reported in 0.0078% of alleles in individuals of European (Non-Finnish) descent in gnomAD. This variant is interpreted as pathogenic.

OMIM
Classification: Pathogenic for CYSTIC FIBROSIS. Last evaluated: 1991-12-01. Review status: no assertion criteria provided. Collection method: literature only. Allele origin: germline. Not counted in ClinVar's aggregate classification.

Clinical Genetics DNA and cytogenetics Diagnostics Lab, Erasmus MC, Erasmus Medical Center
Classification: Pathogenic. Review status: no assertion criteria provided. Collection method: clinical testing. Allele origin: germline. Affected: yes. Study: VKGL Data-share Consensus. Not counted in ClinVar's aggregate classification.

Diagnostic Laboratory, Department of Genetics, University Medical Center Groningen
Classification: Pathogenic. Review status: no assertion criteria provided. Collection method: clinical testing. Allele origin: germline. Affected: yes. Study: VKGL Data-share Consensus. Not counted in ClinVar's aggregate classification.

GeneReviews
No classification provided. Condition: Cystic fibrosis. Review status: no classification provided. Collection method: literature only. Allele origin: unknown. Not counted in ClinVar's aggregate classification.

Joint Genome Diagnostic Labs from Nijmegen and Maastricht, Radboudumc and MUMC+
Classification: Likely pathogenic. Review status: no assertion criteria provided. Collection method: clinical testing. Allele origin: germline. Affected: yes. Study: VKGL Data-share Consensus. Not counted in ClinVar's aggregate classification.

Literature cited by the submitters: PMC 3110945 (cited by American College of Medical Genetics and Genomics  (ACMG)); PubMed 1710599 (cited by 5 submitters); PubMed 9271620 (cited by 4 submitters); PubMed 15176679 (cited by 3 submitters); PubMed 19885835 (cited by Labcorp Genetics (formerly Invitae), Labcorp and Quest Diagnostics Nichols Institute San Juan Capistrano); PubMed 22020151 (cited by 3 submitters); PubMed 23891399 (cited by 4 submitters); PubMed 23974870 (cited by 5 submitters); PubMed 21998193 (cited by 3 submitters); PubMed 18306312 (cited by 4 submitters); PubMed 29261177 (cited by AiLife Diagnostics and Quest Diagnostics Nichols Institute San Juan Capistrano); PubMed 31036917 (cited by AiLife Diagnostics and Quest Diagnostics Nichols Institute San Juan Capistrano); PubMed 10794365 (cited by AiLife Diagnostics and Quest Diagnostics Nichols Institute San Juan Capistrano); PubMed 30602999 (cited by AiLife Diagnostics and Quest Diagnostics Nichols Institute San Juan Capistrano); PubMed 31589614 (cited by AiLife Diagnostics and Quest Diagnostics Nichols Institute San Juan Capistrano); PubMed 18456578 (cited by AiLife Diagnostics and Quest Diagnostics Nichols Institute San Juan Capistrano); PubMed 24440181 (cited by 3 submitters); PubMed 32204475 (cited by AiLife Diagnostics and Quest Diagnostics Nichols Institute San Juan Capistrano); PubMed 20021716 (cited by AiLife Diagnostics and Quest Diagnostics Nichols Institute San Juan Capistrano); PubMed 22975760 (cited by AiLife Diagnostics and Quest Diagnostics Nichols Institute San Juan Capistrano); PubMed 31199594 (cited by AiLife Diagnostics and Quest Diagnostics Nichols Institute San Juan Capistrano); PubMed 23951356 (cited by AiLife Diagnostics and Quest Diagnostics Nichols Institute San Juan Capistrano); PubMed 22658665 (cited by AiLife Diagnostics and Quest Diagnostics Nichols Institute San Juan Capistrano); PubMed 32429104 (cited by AiLife Diagnostics and Quest Diagnostics Nichols Institute San Juan Capistrano); PubMed 21520337 (cited by AiLife Diagnostics and Quest Diagnostics Nichols Institute San Juan Capistrano); PubMed 17331079 (cited by Quest Diagnostics Nichols Institute San Juan Capistrano); PubMed 28603918 (cited by Quest Diagnostics Nichols Institute San Juan Capistrano); PubMed 11280952 (cited by Quest Diagnostics Nichols Institute San Juan Capistrano); PubMed 1757965 (cited by OMIM); PubMed 15371902 (cited by GeneReviews); PubMed 20301428 (cited by GeneReviews).